The following is an entry in ClinVar:

ClinVar aggregate classification (germline): Uncertain significance. Review status: criteria provided, multiple submitters, no conflicts (2 of 4 stars). 2 submissions from 2 submitters: Uncertain significance (2). Last evaluated 2026-08-31.

Conditions:
AP1G1-related disorder. Also called: AP1G1-related condition.
Inborn genetic diseases. Identifiers: MedGen C0950123, MeSH D030342.

gnomAD v4.1: 3 of 1,568,134 alleles (0.00019%); highest among the groups gnomAD compares: African/African-American, 0.0041%; no homozygotes.

Submissions (2):

Ambry Genetics
Classification: Uncertain significance for Inborn genetic diseases. Last evaluated: 2026-08-31. Review status: criteria provided, single submitter. Criteria: Ambry Variant Classification Scheme 2023. Collection method: clinical testing. Allele origin: germline.

PreventionGenetics, part of Exact Sciences
Classification: Uncertain significance for AP1G1-related condition. Last evaluated: 2025-02-15. Review status: criteria provided, single submitter. Criteria: ACMG Guidelines, 2015. Collection method: clinical testing. Allele origin: germline.
Comment: The AP1G1 c.986A>T variant is predicted to result in the amino acid substitution p.Tyr329Phe. To our knowledge, this variant has not been reported in the literature or in a large population database (gnomAD), indicating this variant is rare. At this time, the clinical significance of this variant is uncertain due to the absence of conclusive functional and genetic evidence.

NM_001128.6(AP1G1):c.977A>T (p.Tyr326Phe)

Gene: AP1G1 (adaptor related protein complex 1 subunit gamma 1; minus strand). Cytogenetic location: 16q22.2.
Variant type: single nucleotide variant.
Coding change: c.977A>T on transcript NM_001128.6 (MANE Select); coding-DNA position 977, A replaced by T.
Protein change: p.Tyr326Phe; replaces tyrosine 326 with phenylalanine.
Molecular consequence: missense variant.
Genome position (GRCh38, 1-based): chr16:71,758,919, T>A on the plus strand (A>T on the coding strand, the complement: AP1G1 is on the minus strand). VCF-style: chr16-71758919-T-A. GRCh37 (hg19) VCF-style: chr16-71792822-T-A.
Other names: c.986A>T, p.Tyr329Phe (NM_001030007.2); short protein forms Y326F, Y329F.
Identifiers: ClinVar variation 4997211 (VCV004997211.2).